The following is an entry in ClinVar:

NM_003331.5(TYK2):c.2404G>A (p.Ala802Thr)

Gene: TYK2 (tyrosine kinase 2; minus strand). Cytogenetic location: 19p13.2.
Variant type: single nucleotide variant.
Coding change: c.2404G>A on transcript NM_003331.5 (MANE Select); coding-DNA position 2404, G replaced by A.
Protein change: p.Ala802Thr; replaces alanine 802 with threonine.
Molecular consequence: missense variant.
Genome position (GRCh38, 1-based): chr19:10,357,826, C>T on the plus strand (G>A on the coding strand, the complement: TYK2 is on the minus strand). VCF-style: chr19-10357826-C-T. GRCh37 (hg19) VCF-style: chr19-10468502-C-T.
Other names: c.2404G>A, p.Ala802Thr (NM_001385197.1, NM_001385198.1, NM_001385200.1 and 2 more transcripts); c.2218G>A, p.Ala740Thr (NM_001385199.1); c.2206G>A, p.Ala736Thr (NM_001385201.1); c.2320G>A, p.Ala774Thr (NM_001385202.1); c.2314G>A, p.Ala772Thr (NM_001385205.1); c.2278G>A, p.Ala760Thr (NM_001385206.1); c.2386G>A, p.Ala796Thr (NM_001385207.1); short protein forms A736T, A740T, A760T, A772T, A774T, A796T, A802T.
Identifiers: ClinVar variation 1053616 (VCV001053616.6), dbSNP rs148148659, ClinGen allele CA9193085.
Genomic context (GRCh38, chr19:10,357,826, plus strand): 5'-CGGAGGGACTGCGGCTCTGCAGAGGGGCCTCTCCGTCAAAGCAGATCTCCAGGAGGGTGG[C>T]GCCAAACCCCCACTTGTCCATGGCGGTGCTTAGGCTGTTGGCCCCACCTGGTAGGCATTC-3'
Protein context (NP_003322.3, residues 792-812): STAMDKWGFG[Ala802Thr]TLLEICFDGE

ClinVar aggregate classification (germline): Uncertain significance (1 of 4 stars; one submission).

Conditions:
Immunodeficiency 35 (IMD35). Also called: HIES WITH ATYPICAL MYCOBACTERIOSIS, AUTOSOMAL RECESSIVE; HYPER-IgE SYNDROME WITH ATYPICAL MYCOBACTERIOSIS, AUTOSOMAL RECESSIVE; TYK2 DEFICIENCY; Susceptibility to infection due to TYK2 deficiency. Identifiers: Orphanet 331226, MedGen C1969086, MONDO:0012682, OMIM 611521.

Allele frequency attached by ClinVar (database versions not stated): ExAC 0.00002; gnomAD exomes 0.00002 and 0.00003; TOPMed 0.00002; gnomAD 0.00003; ESP Exome Variant Server 0.00008.
gnomAD v4.1: 36 of 1,613,572 alleles (0.0022%); highest among the groups gnomAD compares: South Asian, 0.011%; no homozygotes.

Submission:

Labcorp Genetics (formerly Invitae), Labcorp
Classification: Uncertain significance for Immunodeficiency 35. Last evaluated: 2025-10-13. Review status: criteria provided, single submitter. Criteria: Invitae Variant Classification Sherloc (09022015). Collection method: clinical testing. Allele origin: germline.
Comment: This sequence change replaces alanine, which is neutral and non-polar, with threonine, which is neutral and polar, at codon 802 of the TYK2 protein (p.Ala802Thr). This variant is present in population databases (rs148148659, gnomAD 0.02%). This variant has not been reported in the literature in individuals affected with TYK2-related conditions. ClinVar contains an entry for this variant (Variation ID: 1053616). Invitae Evidence Modeling of protein sequence and biophysical properties (such as structural, functional, and spatial information, amino acid conservation, physicochemical variation, residue mobility, and thermodynamic stability) indicates that this missense variant is not expected to disrupt TYK2 protein function with a negative predictive value of 80%. In summary, the available evidence is currently insufficient to determine the role of this variant in disease. Therefore, it has been classified as a Variant of Uncertain Significance.